The following is an entry in ClinVar:

NM_000038.6(APC):c.2339G>A (p.Ser780Asn)

Gene: APC (APC regulator of Wnt signaling pathway; plus strand). Cytogenetic location: 5q22.2.
Variant type: single nucleotide variant.
Coding change: c.2339G>A on transcript NM_000038.6 (MANE Select); coding-DNA position 2339, G replaced by A.
Protein change: p.Ser780Asn; replaces serine 780 with asparagine.
Molecular consequence: missense variant. On other transcripts: non-coding transcript variant (2).
Genome position (GRCh38, 1-based): chr5:112,837,933, G>A. VCF-style: chr5-112837933-G-A. GRCh37 (hg19) VCF-style: chr5-112173630-G-A.
Other names: c.2339G>A, p.Ser780Asn (NM_001127510.3, NM_001354895.2, NM_001407450.1); c.2285G>A, p.Ser762Asn (NM_001127511.3); c.2393G>A, p.Ser798Asn (NM_001354896.2, NM_001407447.1, NM_001407448.1 and 1 more transcripts); c.2369G>A, p.Ser790Asn (NM_001354897.2); c.2264G>A, p.Ser755Asn (NM_001354898.2); c.2255G>A, p.Ser752Asn (NM_001354899.2); c.2216G>A, p.Ser739Asn (NM_001354900.2); c.2162G>A, p.Ser721Asn (NM_001354901.2, NM_001407453.1); and 11 more; short protein forms S651N, S721N, S755N, S773N, S790N, S798N, S497N, S620N.
Identifiers: ClinVar variation 2753660 (VCV002753660.4), dbSNP rs1765158317, ClinGen allele CA16026465.

ClinVar aggregate classification (germline): Uncertain significance. Review status: criteria provided, multiple submitters, no conflicts (2 of 4 stars). 2 submissions from 2 submitters: Uncertain significance (2). Last evaluated 2023-08-18.

Conditions:
Familial adenomatous polyposis 1 (FAP1). Also called: POLYPOSIS, ADENOMATOUS INTESTINAL; FAMILIAL ADENOMATOUS POLYPOSIS 1, ATTENUATED. Identifiers: MedGen C2713442, MONDO:0021056, OMIM 175100. Disease mechanism: loss of function.
Classic or attenuated familial adenomatous polyposis. Identifiers: MedGen CN372698, MONDO:0021057.

Submissions (2):

Labcorp Genetics (formerly Invitae), Labcorp
Classification: Uncertain significance for Familial adenomatous polyposis 1. Last evaluated: 2023-08-18. Review status: criteria provided, single submitter. Criteria: Invitae Variant Classification Sherloc (09022015). Collection method: clinical testing. Allele origin: germline.
Comment: In summary, the available evidence is currently insufficient to determine the role of this variant in disease. Therefore, it has been classified as a Variant of Uncertain Significance. Advanced modeling of protein sequence and biophysical properties (such as structural, functional, and spatial information, amino acid conservation, physicochemical variation, residue mobility, and thermodynamic stability) performed at Invitae indicates that this missense variant is not expected to disrupt APC protein function. This variant has not been reported in the literature in individuals affected with APC-related conditions. This variant is not present in population databases (gnomAD no frequency). This sequence change replaces serine, which is neutral and polar, with asparagine, which is neutral and polar, at codon 780 of the APC protein (p.Ser780Asn).

All of Us Research Program, National Institutes of Health
Classification: Uncertain significance for Classic or attenuated familial adenomatous polyposis. Last evaluated: 2023-08-08. Review status: criteria provided, single submitter. Criteria: ACMG Guidelines, 2015. Collection method: clinical testing. Allele origin: germline. Inheritance: Autosomal dominant inheritance. Observed: 1 variant allele, 1 heterozygote.
Comment: This missense variant replaces serine with asparagine at codon 780 of the APC protein. Computational prediction suggests that this variant may not impact protein structure and function (internally defined REVEL score threshold <= 0.5, PMID: 27666373). To our knowledge, functional studies have not been reported for this variant. This variant has not been reported in individuals affected with APC-related disorders in the literature. This variant has not been identified in the general population by the Genome Aggregation Database (gnomAD). The available evidence is insufficient to determine the role of this variant in disease conclusively. Therefore, this variant is classified as a Variant of Uncertain Significance.

This study involves interpretation of variants in research participants for the purpose of population health screening. Participant phenotype was not available at the time of variant classification. Additional details can be found in publication PMID: 35346344, PMCID: PMC8962531